The following is an entry in ClinVar:

NM_001458.5(FLNC):c.7252-14C>A

Genes: FLNC (filamin C; plus strand), FLNC-AS1 (FLNC antisense RNA 1; minus strand). Cytogenetic location: 7q32.1.
Variant type: single nucleotide variant.
Coding change: c.7252-14C>A on transcript NM_001458.5 (MANE Select); 14 bases into the intron before coding-DNA position 7252, C replaced by A.
Molecular consequence: intron variant.
Genome position (GRCh38, 1-based): chr7:128,856,504, C>A. VCF-style: chr7-128856504-C-A. GRCh37 (hg19) VCF-style: chr7-128496558-C-A.
Other names: c.7153-14C>A (NM_001127487.2).
Identifiers: ClinVar variation 4812590 (VCV004812590.1).

ClinVar aggregate classification (germline): Uncertain significance (1 of 4 stars; one submission).

Conditions:
Hypertrophic cardiomyopathy 26. Also called: Cardiomyopathy, familial hypertrophic, 26. Identifiers: Orphanet 75249, MedGen C4310749, MONDO:0014883, OMIM 617047.
Myofibrillar myopathy 5. Also called: Filaminopathy (type); FILAMINOPATHY, AUTOSOMAL DOMINANT. Identifiers: Orphanet 171445, MedGen C1836050, MONDO:0012289, OMIM 609524.
Distal myopathy with posterior leg and anterior hand involvement. Also called: WILLIAMS DISTAL MYOPATHY. Identifiers: Orphanet 63273, MedGen C3279722, MONDO:0013550, OMIM 614065.

Submission:

Labcorp Genetics (formerly Invitae), Labcorp
Classification: Uncertain significance for Distal myopathy with posterior leg and anterior hand involvement; Myofibrillar myopathy 5; Hypertrophic cardiomyopathy 26. Last evaluated: 2026-01-26. Review status: criteria provided, single submitter. Criteria: Invitae Variant Classification Sherloc (09022015). Collection method: clinical testing. Allele origin: germline.
Comment: This sequence change falls in intron 43 of the FLNC gene. It does not directly change the encoded amino acid sequence of the FLNC protein. This variant is not present in population databases (gnomAD no frequency). This variant has not been reported in the literature in individuals affected with FLNC-related conditions. Algorithms developed to predict the effect of sequence changes on RNA splicing suggest that this variant may disrupt the consensus splice site. In summary, the available evidence is currently insufficient to determine the role of this variant in disease. Therefore, it has been classified as a Variant of Uncertain Significance.